The following is an entry in ClinVar:

NM_032387.5(WNK4):c.47C>T (p.Thr16Ile)

Gene: WNK4 (WNK lysine deficient protein kinase 4; plus strand). Cytogenetic location: 17q21.2.
Variant type: single nucleotide variant.
Coding change: c.47C>T on transcript NM_032387.5 (MANE Select); coding-DNA position 47, C replaced by T.
Protein change: p.Thr16Ile; replaces threonine 16 with isoleucine.
Molecular consequence: missense variant. On other transcripts: 5 prime UTR variant (1).
Genome position (GRCh38, 1-based): chr17:42,780,745, C>T. VCF-style: chr17-42780745-C-T. GRCh37 (hg19) VCF-style: chr17-40932763-C-T.
Other names: c.-873C>T (NM_001321299.2); short protein forms T16I.
Identifiers: ClinVar variation 323311 (VCV000323311.10), dbSNP rs61754325, ClinGen allele CA8583596.

ClinVar aggregate classification (germline): Benign/Likely benign. Review status: criteria provided, multiple submitters, no conflicts (2 of 4 stars). 3 submissions from 3 submitters: Benign (1); Likely benign (2). Last evaluated 2025-06-12.

Conditions:
Pseudohypoaldosteronism type 2B (PHA2B). Also called: Pseudohypoaldosteronism Type IIB. Identifiers: Orphanet 757, Orphanet 88939, MedGen C1840390, MONDO:0013777, OMIM 614491.

Allele frequency attached by ClinVar (database versions not stated): 1000 Genomes Project 30x 0.00016; ESP Exome Variant Server 0.00016; 1000 Genomes Project 0.00020; gnomAD exomes 0.00020 and 0.00035; ExAC 0.00021; TOPMed 0.00025; gnomAD 0.00030 and 0.00031.
gnomAD v4.1: 558 of 1,608,898 alleles (0.035%); highest among the groups gnomAD compares: Non-Finnish European, 0.045%; no homozygotes.

Submissions (3):

Labcorp Genetics (formerly Invitae), Labcorp
Classification: Likely benign. Last evaluated: 2025-06-12. Review status: criteria provided, single submitter. Criteria: Invitae Variant Classification Sherloc (09022015). Collection method: clinical testing. Allele origin: germline.

Fulgent Genetics
Classification: Likely benign for Pseudohypoaldosteronism type 2B. Last evaluated: 2021-11-08. Review status: criteria provided, single submitter. Criteria: ACMG Guidelines, 2015. Collection method: clinical testing. Allele origin: unknown.

Illumina Laboratory Services, Illumina
Classification: Benign for Pseudohypoaldosteronism type 2B. Last evaluated: 2018-01-13. Review status: criteria provided, single submitter. Criteria: ICSL Variant Classification Criteria 13 December 2019. Collection method: clinical testing. Allele origin: germline.
Comment: This variant was observed in the ICSL laboratory as part of a predisposition screen in an ostensibly healthy population. It had not been previously curated by ICSL or reported in the Human Gene Mutation Database (HGMD: prior to June 1st, 2018), and was therefore a candidate for classification through an automated scoring system. Utilizing variant allele frequency, disease prevalence and penetrance estimates, and inheritance mode, an automated score was calculated to assess if this variant is too frequent to cause the disease. Based on the score and internal cut-off values, a variant classified as benign is not then subjected to further curation. The score for this variant resulted in a classification of benign for this disease.